The following is an entry in ClinVar:

ClinVar aggregate classification (germline): Uncertain significance (1 of 4 stars; one submission).

Conditions:
Early Myoclonic Encephalopathy. Identifiers: MedGen C0270855.

Allele frequency attached by ClinVar (database versions not stated): gnomAD exomes below 0.00001.
gnomAD v4.1: 6 of 1,614,146 alleles (0.00037%); highest among the groups gnomAD compares: African/African-American, 0.004%; no homozygotes.

Submission:

Labcorp Genetics (formerly Invitae), Labcorp
Classification: Uncertain significance for Early Myoclonic Encephalopathy. Last evaluated: 2024-04-10. Review status: criteria provided, single submitter. Criteria: Invitae Variant Classification Sherloc (09022015). Collection method: clinical testing. Allele origin: germline.
Comment: This sequence change replaces asparagine, which is neutral and polar, with lysine, which is basic and polar, at codon 1181 of the JMJD1C protein (p.Asn1181Lys). This variant is not present in population databases (gnomAD no frequency). This variant has not been reported in the literature in individuals affected with JMJD1C-related conditions. ClinVar contains an entry for this variant (Variation ID: 1018761). Advanced modeling of protein sequence and biophysical properties (such as structural, functional, and spatial information, amino acid conservation, physicochemical variation, residue mobility, and thermodynamic stability) performed at Invitae indicates that this missense variant is not expected to disrupt JMJD1C protein function with a negative predictive value of 80%. In summary, the available evidence is currently insufficient to determine the role of this variant in disease. Therefore, it has been classified as a Variant of Uncertain Significance.

NM_032776.3(JMJD1C):c.3543T>G (p.Asn1181Lys)

Gene: JMJD1C (jumonji domain containing 1C; minus strand). Cytogenetic location: 10q21.3.
Variant type: single nucleotide variant.
Coding change: c.3543T>G on transcript NM_032776.3 (MANE Select); coding-DNA position 3543, T replaced by G.
Protein change: p.Asn1181Lys; replaces asparagine 1181 with lysine.
Molecular consequence: missense variant. On other transcripts: non-coding transcript variant (1).
Genome position (GRCh38, 1-based): chr10:63,208,126, A>C on the plus strand (T>G on the coding strand, the complement: JMJD1C is on the minus strand). VCF-style: chr10-63208126-A-C. GRCh37 (hg19) VCF-style: chr10-64967886-A-C.
Other names: c.2997T>G, p.Asn999Lys (NM_001282948.2, NM_001318154.2); c.2679T>G, p.Asn893Lys (NM_001318153.2); c.3429T>G, p.Asn1143Lys (NM_001322252.2); c.2886T>G, p.Asn962Lys (NM_001322254.2, NM_001322258.2); short protein forms N1143K, N1181K, N893K, N962K, N999K.
Identifiers: ClinVar variation 1018761 (VCV001018761.8), dbSNP rs1846875074, ClinGen allele CA377041349.